The following is an entry in ClinVar:

ClinVar aggregate classification (germline): Benign (0 of 4 stars; one submission).

Conditions:
STARD9-related disorder. Also called: STARD9-related condition.

Allele frequency attached by ClinVar (database versions not stated): TOPMed 0.25007; 1000 Genomes Project 0.25459; gnomAD 0.25581; ESP Exome Variant Server 0.25876; 1000 Genomes Project 30x 0.26124; ExAC 0.30080.
gnomAD v4.1: 346,370 of 1,537,102 alleles (23%); highest among the groups gnomAD compares: African/African-American, 37%; 42,184 homozygotes.

Submission:

PreventionGenetics, part of Exact Sciences
Classification: Benign for STARD9-related condition. Last evaluated: 2021-05-28. Review status: no assertion criteria provided. Collection method: clinical testing. Allele origin: germline.
Comment: This variant is classified as benign based on ACMG/AMP sequence variant interpretation guidelines (Richards et al. 2015 PMID: 25741868, with internal and published modifications).

NM_020759.3(STARD9):c.3750A>C (p.Ala1250=)

Gene: STARD9 (StAR related lipid transfer domain containing 9; plus strand). Cytogenetic location: 15q15.2.
Variant type: single nucleotide variant.
Coding change: c.3750A>C on transcript NM_020759.3 (MANE Select); coding-DNA position 3750, A replaced by C.
Protein change: p.Ala1250=; no amino-acid change (alanine 1250 retained).
Molecular consequence: synonymous variant.
Genome position (GRCh38, 1-based): chr15:42,685,328, A>C. VCF-style: chr15-42685328-A-C. GRCh37 (hg19) VCF-style: chr15-42977526-A-C.
Identifiers: ClinVar variation 3060451 (VCV003060451.2), dbSNP rs6493059, ClinGen allele CA7514275.